The following is an entry in ClinVar:

ClinVar aggregate classification (germline): Uncertain significance (1 of 4 stars; one submission).

gnomAD v4.1: 31 of 1,613,906 alleles (0.0019%); highest among the groups gnomAD compares: Non-Finnish European, 0.0025%; no homozygotes.

Submission:

GeneDx
Classification: Uncertain significance. Last evaluated: 2025-04-06. Review status: criteria provided, single submitter. Criteria: GeneDx Variant Classification Process June 2021. Collection method: clinical testing. Allele origin: germline. Affected: yes.
Comment: Not observed at significant frequency in large population cohorts (gnomAD); In silico analysis indicates that this missense variant does not alter protein structure/function; Has not been previously published as pathogenic or benign to our knowledge

NM_000096.4(CP):c.942C>G (p.Ile314Met)

Gene: CP (ceruloplasmin; minus strand). Cytogenetic location: 3q25.1.
Variant type: single nucleotide variant.
Coding change: c.942C>G on transcript NM_000096.4 (MANE Select); coding-DNA position 942, C replaced by G.
Protein change: p.Ile314Met; replaces isoleucine 314 with methionine.
Molecular consequence: missense variant. On other transcripts: non-coding transcript variant (1).
Genome position (GRCh38, 1-based): chr3:149,207,457, G>C on the plus strand (C>G on the coding strand, the complement: CP is on the minus strand). VCF-style: chr3-149207457-G-C. GRCh37 (hg19) VCF-style: chr3-148925244-G-C.
Other names: short protein forms I314M.
Identifiers: ClinVar variation 4281750 (VCV004281750.1).